The following is an entry in ClinVar:

ClinVar aggregate classification (germline): Uncertain significance. Review status: criteria provided, single submitter (1 of 4 stars). 2 submissions from 2 submitters: Uncertain significance (1). 1 of the submissions does not count toward it. Last evaluated 2024-03-12.

Conditions:
PLXNA3-related disorder. Also called: PLXNA3-related condition.

Allele frequency attached by ClinVar (database versions not stated): ExAC 0.00002; gnomAD exomes 0.00006; ESP Exome Variant Server 0.00009; TOPMed 0.00017; gnomAD 0.00023.

Submissions (2):

Ambry Genetics
Classification: Uncertain significance. Last evaluated: 2024-03-12. Review status: criteria provided, single submitter. Criteria: Ambry Variant Classification Scheme 2023. Collection method: clinical testing. Allele origin: germline.

PreventionGenetics, part of Exact Sciences
Classification: Uncertain significance for PLXNA3-related condition. Last evaluated: 2024-09-19. Review status: no assertion criteria provided. Collection method: clinical testing. Allele origin: germline. Not counted in ClinVar's aggregate classification.
Comment: The PLXNA3 c.859G>A variant is predicted to result in the amino acid substitution p.Val287Met. To our knowledge, this variant has not been reported in the literature. This variant is reported in 0.021% of alleles in individuals of Latino descent in gnomAD. Although we suspect that this variant may be benign, at this time, the clinical significance of this variant is uncertain due to the absence of conclusive functional and genetic evidence.

NM_017514.5(PLXNA3):c.859G>A (p.Val287Met)

Gene: PLXNA3 (plexin A3; plus strand). Cytogenetic location: Xq28.
Variant type: single nucleotide variant.
Coding change: c.859G>A on transcript NM_017514.5 (MANE Select); coding-DNA position 859, G replaced by A.
Protein change: p.Val287Met; replaces valine 287 with methionine.
Molecular consequence: missense variant.
Genome position (GRCh38, 1-based): chrX:154,461,363, G>A. VCF-style: chrX-154461363-G-A. GRCh37 (hg19) VCF-style: chrX-153689703-G-A.
Other names: short protein forms V287M.
Identifiers: ClinVar variation 3215576 (VCV003215576.2), dbSNP rs370403729, ClinGen allele CA10563837.